The following is an entry in ClinVar:

ClinVar aggregate classification (germline): Uncertain significance (1 of 4 stars; one submission).

Conditions:
Long QT syndrome (LQTS). Identifiers: MedGen C0023976, MeSH D008133, MONDO:0002442. Disease mechanism: loss of function. Inheritance: Various modes of inheritance.

Submission:

Labcorp Genetics (formerly Invitae), Labcorp
Classification: Uncertain significance for Long QT syndrome. Last evaluated: 2023-03-26. Review status: criteria provided, single submitter. Criteria: Invitae Variant Classification Sherloc (09022015). Collection method: clinical testing. Allele origin: germline.
Comment: This sequence change replaces methionine, which is neutral and non-polar, with arginine, which is basic and polar, at codon 1026 of the AKAP9 protein (p.Met1026Arg). This variant is not present in population databases (gnomAD no frequency). This variant has not been reported in the literature in individuals affected with AKAP9-related conditions. Algorithms developed to predict the effect of missense changes on protein structure and function output the following: SIFT: "Not Available"; PolyPhen-2: "Benign"; Align-GVGD: "Not Available". The arginine amino acid residue is found in multiple mammalian species, which suggests that this missense change does not adversely affect protein function. In summary, the available evidence is currently insufficient to determine the role of this variant in disease. Therefore, it has been classified as a Variant of Uncertain Significance.

NM_005751.5(AKAP9):c.3077T>G (p.Met1026Arg)

Gene: AKAP9 (A-kinase anchoring protein 9; plus strand). Cytogenetic location: 7q21.2.
Variant type: single nucleotide variant.
Coding change: c.3077T>G on transcript NM_005751.5 (MANE Select); coding-DNA position 3077, T replaced by G.
Protein change: p.Met1026Arg; replaces methionine 1026 with arginine.
Molecular consequence: missense variant.
Genome position (GRCh38, 1-based): chr7:92,002,994, T>G. VCF-style: chr7-92002994-T-G. GRCh37 (hg19) VCF-style: chr7-91632308-T-G.
Other names: c.3077T>G, p.Met1026Arg (NM_147185.3); short protein forms M1026R.
Identifiers: ClinVar variation 2849722 (VCV002849722.3), dbSNP rs2484696242, ClinGen allele CA368125586.
Genomic context (GRCh38, chr7:92,002,994, plus strand): 5'-CAGAAAATGTACAGTCATGTGATACTCAAGTAAGCTCTTTATTAGATGGAGTTGTGACCA[T>G]GACAAGCAGGGGTGCTGAAGGATCAGTTTCTAAAGTAAATAAAAGTTTTGGTGAAGAATC-3'
Protein context (NP_005742.4, residues 1016-1036): VSSLLDGVVT[Met1026Arg]TSRGAEGSVS